The following is an entry in ClinVar:

NM_000287.4(PEX6):c.644T>C (p.Leu215Pro)

Gene: PEX6 (peroxisomal biogenesis factor 6; minus strand). Cytogenetic location: 6p21.1.
Variant type: single nucleotide variant.
Coding change: c.644T>C on transcript NM_000287.4 (MANE Select); coding-DNA position 644, T replaced by C.
Protein change: p.Leu215Pro; replaces leucine 215 with proline.
Molecular consequence: missense variant. On other transcripts: non-coding transcript variant (1), intron variant (1).
Genome position (GRCh38, 1-based): chr6:42,978,507, A>G on the plus strand (T>C on the coding strand, the complement: PEX6 is on the minus strand). VCF-style: chr6-42978507-A-G. GRCh37 (hg19) VCF-style: chr6-42946245-A-G.
Other names: c.618+26T>C (NM_001316313.2); short protein forms L215P.
Identifiers: ClinVar variation 3775750 (VCV003775750.1).

ClinVar aggregate classification (germline): Uncertain significance (1 of 4 stars; one submission).

Conditions:
Peroxisome biogenesis disorder 4B (PBD4B). Also called: SPINOCEREBELLAR ATAXIA WITH BLINDNESS AND DEAFNESS 1. Identifiers: Orphanet 44, Orphanet 95433, MedGen C3553937, MONDO:0013931, OMIM 614863.

Submission:

3billion
Classification: Uncertain significance for Peroxisome biogenesis disorder 4B. Last evaluated: 2023-06-14. Review status: criteria provided, single submitter. Criteria: ACMG Guidelines, 2015. Collection method: clinical testing. Allele origin: germline. Affected: yes.
Comment: The variant is not observed in the gnomAD v2.1.1 dataset. Predicted Consequence/Location: Missense variant In silico tool predictions suggest damaging effect of the variant on gene or gene product (REVEL: 0.83; 3Cnet: 0.08). Therefore, this variant is classified as VUS according to the recommendation of ACMG/AMP guideline.